The following is an entry in ClinVar:

ClinVar aggregate classification (germline): Uncertain significance (0 of 4 stars; one submission).

Conditions:
MTM1-related disorder. Also called: MTM1-related condition.

Submission:

PreventionGenetics, part of Exact Sciences
Classification: Uncertain significance for MTM1-related condition. Last evaluated: 2024-08-26. Review status: no assertion criteria provided. Collection method: clinical testing. Allele origin: germline.
Comment: The MTM1 c.1145C>T variant is predicted to result in the amino acid substitution p.Thr382Ile. To our knowledge, this variant has not been reported in the literature or in a large population database, indicating this variant is rare. At this time, the clinical significance of this variant is uncertain due to the absence of conclusive functional and genetic evidence.

NM_000252.3(MTM1):c.1145C>T (p.Thr382Ile)

Gene: MTM1 (myotubularin 1; plus strand). Cytogenetic location: Xq28.
Variant type: single nucleotide variant.
Coding change: c.1145C>T on transcript NM_000252.3 (MANE Select); coding-DNA position 1145, C replaced by T.
Protein change: p.Thr382Ile; replaces threonine 382 with isoleucine.
Molecular consequence: missense variant.
Genome position (GRCh38, 1-based): chrX:150,657,912, C>T. VCF-style: chrX-150657912-C-T. GRCh37 (hg19) VCF-style: chrX-149826385-C-T.
Other names: c.1145C>T, p.Thr382Ile (NM_001376906.1, NM_001376908.1); c.1034C>T, p.Thr345Ile (NM_001376907.1); short protein forms T345I, T382I.
Identifiers: ClinVar variation 3346218 (VCV003346218.1).